The following is an entry in ClinVar:

ClinVar aggregate classification (germline): Uncertain significance (1 of 4 stars; one submission).

gnomAD v4.1: 1 of 1,610,638 alleles (0.000062%); highest among the groups gnomAD compares: South Asian, 0.0011%; no homozygotes.

Submission:

Labcorp Genetics (formerly Invitae), Labcorp
Classification: Uncertain significance. Last evaluated: 2024-06-05. Review status: criteria provided, single submitter. Criteria: Invitae Variant Classification Sherloc (09022015). Collection method: clinical testing. Allele origin: germline.
Comment: This sequence change replaces serine, which is neutral and polar, with leucine, which is neutral and non-polar, at codon 52 of the GFM1 protein (p.Ser52Leu). This variant is present in population databases (rs746271799, gnomAD 0.003%). This variant has not been reported in the literature in individuals affected with GFM1-related conditions. Advanced modeling of protein sequence and biophysical properties (such as structural, functional, and spatial information, amino acid conservation, physicochemical variation, residue mobility, and thermodynamic stability) performed at Invitae indicates that this missense variant is not expected to disrupt GFM1 protein function with a negative predictive value of 80%. In summary, the available evidence is currently insufficient to determine the role of this variant in disease. Therefore, it has been classified as a Variant of Uncertain Significance.

NM_024996.7(GFM1):c.155C>T (p.Ser52Leu)

Gene: GFM1 (G elongation factor mitochondrial 1; plus strand). Cytogenetic location: 3q25.32.
Variant type: single nucleotide variant.
Coding change: c.155C>T on transcript NM_024996.7 (MANE Select); coding-DNA position 155, C replaced by T.
Protein change: p.Ser52Leu; replaces serine 52 with leucine.
Molecular consequence: missense variant. On other transcripts: 5 prime UTR variant (4), non-coding transcript variant (4).
Genome position (GRCh38, 1-based): chr3:158,645,702, C>T. VCF-style: chr3-158645702-C-T. GRCh37 (hg19) VCF-style: chr3-158363491-C-T.
Other names: c.155C>T, p.Ser52Leu (NM_001308164.2, NM_001308166.2, NM_001374355.1 and 2 more transcripts); c.-71C>T (NM_001374357.1); c.-75C>T (NM_001374359.1, NM_001374360.1, NM_001374361.1); short protein forms S52L.
Identifiers: ClinVar variation 3648819 (VCV003648819.2).
Genomic context (GRCh38, chr3:158,645,702, plus strand): 5'-CCTGCCGATGGTCTTCATCAGGGGTGATTCCTAATGAAAAAATACGAAATATTGGAATCT[C>T]AGCTCACATTGATTCTGGGAAAACTACATTAACAGAACGAGTCCTTTACTACACTGGCAG-3'
Protein context (NP_079272.4, residues 42-62): PNEKIRNIGI[Ser52Leu]AHIDSGKTTL